The following is an entry in ClinVar:

NM_006087.4(TUBB4A):c.874C>A (p.Gln292Lys)

Gene: TUBB4A (tubulin beta 4A class IVa; minus strand). Cytogenetic location: 19p13.3.
Variant type: single nucleotide variant.
Coding change: c.874C>A on transcript NM_006087.4 (MANE Select); coding-DNA position 874, C replaced by A.
Protein change: p.Gln292Lys; replaces glutamine 292 with lysine.
Molecular consequence: missense variant.
Genome position (GRCh38, 1-based): chr19:6,495,625, G>T on the plus strand (C>A on the coding strand, the complement: TUBB4A is on the minus strand). VCF-style: chr19-6495625-G-T. GRCh37 (hg19) VCF-style: chr19-6495636-G-T.
Other names: c.1027C>A, p.Gln343Lys (NM_001289123.2); c.1009C>A, p.Gln337Lys (NM_001289127.2); c.874C>A, p.Gln292Lys (NM_001289129.2); c.658C>A, p.Gln220Lys (NM_001289130.2, NM_001289131.2); short protein forms Q343K, Q292K, Q220K, Q337K.
Identifiers: ClinVar variation 267780 (VCV000267780.4), dbSNP rs886041011, ClinGen allele CA10602629.
Genomic context (GRCh38, chr19:6,495,625, plus strand): 5'-TCAGGTAGCGGCCGTGGCGCGGGTCGCACGCCGCCATCATGTTCTTGGCATCGAACATCT[G>T]CTGGGTGAGCTCGGGCACCGTCAGGGCCCGGTACTGCTGGCTGCCCCGGCTGGTCAGGGG-3'
Protein context (NP_006078.2, residues 282-302): RALTVPELTQ[Gln292Lys]MFDAKNMMAA

ClinVar aggregate classification (germline): Likely pathogenic. Review status: criteria provided, single submitter (1 of 4 stars). 2 submissions from 2 submitters: Likely pathogenic (1). 1 of the submissions does not count toward it. Last evaluated 2021-04-04.

Conditions:
Leukodystrophy, hypomyelinating, 6. Also called: LEUKODYSTROPHY, HYPOMYELINATING, WITH ATROPHY OF THE BASAL GANGLIA AND CEREBELLUM; TUBB4A-Associated Leukodystrophy; Hypomyelination with Atrophy of Basal Ganglia and Cerebellum (H-ABC). Identifiers: Orphanet 139441, MedGen C2676244, MONDO:0012905, OMIM 612438.

Submissions (2):

Molecular Diagnostics Lab, Nemours Children's Health, Delaware
Classification: Likely pathogenic for Leukodystrophy, hypomyelinating, 6. Last evaluated: 2021-04-04. Review status: criteria provided, single submitter. Criteria: ACMG Guidelines, 2015. Collection method: clinical testing. Allele origin: unknown. Inheritance: Autosomal dominant inheritance. Affected: yes. Observed: 1 heterozygote.
Comment: This missense variant (c.847C>A, p.Gln292Lys) has not been observed in population databases (gnomAD) but the change has been reported it the literature (PMID 25085639). Variant prediction programs suggest a deleterious effect, although no functional studies have been published.

GeneReviews
No classification provided. Condition: Leukodystrophy, hypomyelinating, 6. Review status: no classification provided. Collection method: literature only. Allele origin: germline. Affected: yes. Not counted in ClinVar's aggregate classification.

Literature cited by the submitters: PubMed 25085639 (cited by Molecular Diagnostics Lab, Nemours Children's Health, Delaware and GeneReviews); NCBI Bookshelf NBK395611 (cited by GeneReviews).